The following is an entry in ClinVar:

NM_001365276.2(TNXB):c.9568C>T (p.Gln3190Ter)

Gene: TNXB (tenascin XB; minus strand). Cytogenetic location: 6p21.33.
Variant type: single nucleotide variant.
Coding change: c.9568C>T on transcript NM_001365276.2 (MANE Select); coding-DNA position 9568, C replaced by T.
Protein change: p.Gln3190Ter; replaces glutamine 3190 with a stop codon.
Molecular consequence: nonsense.
Genome position (GRCh38, 1-based): chr6:32,049,459, G>A on the plus strand (C>T on the coding strand, the complement: TNXB is on the minus strand). VCF-style: chr6-32049459-G-A. GRCh37 (hg19) VCF-style: chr6-32017236-G-A.
Other names: c.10309C>T, p.Gln3437Ter (NM_001428335.1); c.9562C>T, p.Gln3188Ter (NM_019105.8); short protein forms Q3188*, Q3190*, Q3437*.
Identifiers: ClinVar variation 5013258 (VCV005013258.1).
Genomic context (GRCh38, chr6:32,049,459, plus strand): 5'-CCACCTGGGGCTGCCCGTCCCTGTCCTTGTACTGCACGGTGAAGGAGTCGAAGCGGCCCT[G>A]GGGGACGGTCCAGGAGAGGCTCAGCGAGTCAGGGGAGGATCCTGTCACTGTCAACTCCCC-3'

ClinVar aggregate classification (germline): Pathogenic (1 of 4 stars; one submission).

Conditions:
Ehlers-Danlos syndrome due to tenascin-X deficiency (EDSCLL1). Also called: Ehlers-Danlos syndrome, classic-like, 1; EHLERS-DANLOS SYNDROME, CLASSIC-LIKE; TNXB-Related Classical-Like Ehlers-Danlos Syndrome; EDS DUE TO TNX DEFICIENCY; TNX DEFICIENCY. Identifiers: Orphanet 230839, MedGen C1848029, MONDO:0011670, OMIM 606408.

gnomAD v4.1: 2 of 1,612,744 alleles (0.00012%); highest among the groups gnomAD compares: Non-Finnish European, 0.00017%; no homozygotes.

Submission:

Myriad Genetics, Inc.
Classification: Pathogenic for Ehlers-Danlos syndrome due to tenascin-X deficiency. Last evaluated: 2024-06-30. Review status: criteria provided, single submitter. Criteria: Myriad Autosomal Dominant, Autosomal Recessive and X-Linked Classification Criteria (2023). Collection method: clinical testing. Allele origin: unknown.
Comment: NM_019105.6(TNXB):c.9562C>T(Q3188*) is expected to be pathogenic in the context of classical-like Ehlers-Danlos syndrome, TNXB-related. This variant is predicted to lead to an abnormal or absent protein product due to the creation of a premature termination codon in TNXB, a gene where loss-of-function variants are known to be pathogenic. Please note: this variant was assessed in the context of healthy population screening.